The following is an entry in ClinVar:

ClinVar aggregate classification (germline): Pathogenic (1 of 4 stars; one submission).

Conditions:
Nemaline myopathy 2 (NEM2). Also called: Nemaline myopathy 2, autosomal recessive. Identifiers: MedGen C1850569, MONDO:0009725, OMIM 256030.

Submission:

Labcorp Genetics (formerly Invitae), Labcorp
Classification: Pathogenic for Nemaline myopathy 2. Last evaluated: 2021-11-19. Review status: criteria provided, single submitter. Criteria: Invitae Variant Classification Sherloc (09022015). Collection method: clinical testing. Allele origin: germline.
Comment: This sequence change creates a premature translational stop signal (p.Ile856Glufs*15) in the NEB gene. It is expected to result in an absent or disrupted protein product. Loss-of-function variants in NEB are known to be pathogenic (PMID: 25205138). This variant is not present in population databases (gnomAD no frequency). This variant has not been reported in the literature in individuals affected with NEB-related conditions. For these reasons, this variant has been classified as Pathogenic.

Literature cited by the submitters: PubMed 25205138.

NM_001164508.2(NEB):c.2566_2569del (p.Ile856fs)

Gene: NEB (nebulin; minus strand). Cytogenetic location: 2q23.3.
Variant type: Deletion.
Coding change: c.2566_2569del on transcript NM_001164508.2 (MANE Select); coding-DNA positions 2566 to 2569, 4 bases deleted (ATTG; older notation c.2566_2569delATTG).
Protein change: p.Ile856fs; shifts the reading frame from isoleucine 856.
Molecular consequence: frameshift variant.
Genome position (GRCh38, 1-based): chr2:151,687,487-151,687,490, CAAT deleted on the plus strand (ATTG on the coding strand, the reverse complement: NEB is on the minus strand); deleting any 4 consecutive bases within chr2:151,687,487-151,687,492 gives the same sequence; the c. name uses the placement nearest the transcript's 3' end. VCF-style (leftmost placement, unchanged base first): chr2-151687486-CCAAT-C. GRCh37 (hg19) VCF-style: chr2-152544000-CCAAT-C.
Other names: c.2566_2569del, p.Ile856fs (NM_001164507.2, NM_001271208.2, NM_004543.5); short protein forms I856fs.
Identifiers: ClinVar variation 1451706 (VCV001451706.6), dbSNP rs2148949901, ClinGen allele CA2573133239.
Genomic context (GRCh38, chr2:151,687,486, plus strand): 5'-TGGTTTTTGGCTGTCTTCAAGGAGTGCAGCATCTTTGGATCGTCATTAATGCTGAGGGCT[CCAAT>C]CATTTTCCCTTTGCTCTTTTCATAGTCTTTCTTGTACATCACCTGCAAAGACATCACACA-3'